The following is an entry in ClinVar:

ClinVar aggregate classification (germline): Uncertain significance. Review status: criteria provided, multiple submitters, no conflicts (2 of 4 stars). 2 submissions from 2 submitters: Uncertain significance (2). Last evaluated 2023-10-26.

Conditions:
Hereditary cancer-predisposing syndrome. Also called: Hereditary neoplastic syndrome; Hereditary Cancer Syndrome; Neoplastic Syndromes, Hereditary; Tumor predisposition. Identifiers: Orphanet 140162, MedGen C0027672, MeSH D009386, MONDO:0015356.
DICER1-related tumor predisposition. Also called: DICER1-related pleuropulmonary blastoma cancer predisposition syndrome; DICER1 syndrome. Identifiers: Orphanet 284343, MedGen C3839822, MONDO:0100216.

Allele frequency attached by ClinVar (database versions not stated): TOPMed below 0.00001; gnomAD 0.00001.
gnomAD v4.1: 1 of 1,613,640 alleles (0.000062%); highest among the groups gnomAD compares: African/African-American, 0.0013%; no homozygotes.

Submissions (2):

Ambry Genetics
Classification: Uncertain significance for Hereditary cancer-predisposing syndrome. Last evaluated: 2023-10-26. Review status: criteria provided, single submitter. Criteria: Ambry Variant Classification Scheme 2023. Collection method: clinical testing. Allele origin: germline.
Comment: The p.L240M variant (also known as c.718C>A), located in coding exon 5 of the DICER1 gene, results from a C to A substitution at nucleotide position 718. The leucine at codon 240 is replaced by methionine, an amino acid with highly similar properties. This amino acid position is highly conserved in available vertebrate species. In addition, this alteration is predicted to be tolerated by in silico analysis. Since supporting evidence is limited at this time, the clinical significance of this alteration remains unclear.

Labcorp Genetics (formerly Invitae), Labcorp
Classification: Uncertain significance for DICER1-related tumor predisposition. Last evaluated: 2023-10-18. Review status: criteria provided, single submitter. Criteria: Invitae Variant Classification Sherloc (09022015). Collection method: clinical testing. Allele origin: germline.
Comment: This sequence change replaces leucine, which is neutral and non-polar, with methionine, which is neutral and non-polar, at codon 240 of the DICER1 protein (p.Leu240Met). This variant is not present in population databases (gnomAD no frequency). This variant has not been reported in the literature in individuals affected with DICER1-related conditions. Advanced modeling of protein sequence and biophysical properties (such as structural, functional, and spatial information, amino acid conservation, physicochemical variation, residue mobility, and thermodynamic stability) performed at Invitae indicates that this missense variant is not expected to disrupt DICER1 protein function. In summary, the available evidence is currently insufficient to determine the role of this variant in disease. Therefore, it has been classified as a Variant of Uncertain Significance.

NM_177438.3(DICER1):c.718C>A (p.Leu240Met)

Gene: DICER1 (dicer 1, ribonuclease III; minus strand). Cytogenetic location: 14q32.13.
Variant type: single nucleotide variant.
Coding change: c.718C>A on transcript NM_177438.3 (MANE Select); coding-DNA position 718, C replaced by A.
Protein change: p.Leu240Met; replaces leucine 240 with methionine.
Molecular consequence: missense variant. On other transcripts: 5 prime UTR variant (1), non-coding transcript variant (6).
Genome position (GRCh38, 1-based): chr14:95,129,488, G>T on the plus strand (C>A on the coding strand, the complement: DICER1 is on the minus strand). VCF-style: chr14-95129488-G-T. GRCh37 (hg19) VCF-style: chr14-95595825-G-T.
Other names: c.718C>A, p.Leu240Met (NM_001395680.1, NM_001395681.1, NM_001395682.1 and 15 more transcripts); c.436C>A, p.Leu146Met (NM_001395686.1); c.313C>A, p.Leu105Met (NM_001395687.1, NM_001395688.1, NM_001395689.1 and 3 more transcripts); c.151C>A, p.Leu51Met (NM_001395691.1); c.-851C>A (NM_001395697.1); short protein forms L146M, L51M, L105M, L240M.
Identifiers: ClinVar variation 2769710 (VCV002769710.4), dbSNP rs1060503615, ClinGen allele CA390887990.
Genomic context (GRCh38, chr14:95,129,488, plus strand): 5'-TTTCAACTAATCTCATTAAAGCTGAGTCAATCAGAAGTGCATACCTGTCTAAGACCACCA[G>T]GTCAGTTGCAGTTTCAGCATTACTCTTAAGAATTTTCTCTAGTTTCTGAATCTTTTCTTC-3'
Protein context (NP_803187.1, residues 230-250): LKSNAETATD[Leu240Met]VVLDRYTSQP